The following is an entry in ClinVar:

NM_004329.3(BMPR1A):c.1114A>T (p.Lys372Ter)

Gene: BMPR1A (bone morphogenetic protein receptor type 1A; plus strand). Cytogenetic location: 10q23.2.
Variant type: single nucleotide variant.
Coding change: c.1114A>T on transcript NM_004329.3 (MANE Select); coding-DNA position 1114, A replaced by T.
Protein change: p.Lys372Ter; replaces lysine 372 with a stop codon.
Molecular consequence: nonsense.
Genome position (GRCh38, 1-based): chr10:86,919,417, A>T. VCF-style: chr10-86919417-A-T. GRCh37 (hg19) VCF-style: chr10-88679174-A-T.
Other names: short protein forms K372*.
Identifiers: ClinVar variation 978679 (VCV000978679.1), dbSNP rs1315674155, ClinGen allele CA377460935.

ClinVar aggregate classification (germline): Pathogenic (1 of 4 stars; one submission).

Conditions:
Generalized juvenile polyposis/juvenile polyposis coli. Also called: Juvenile polyposis coli. Identifiers: Orphanet 329971, MedGen C1868081, MONDO:0008276.

Submission:

Medical Genetics Laboratory, West China Hospital, Sichuan University
Classification: Pathogenic for Juvenile polyposis syndrome. Review status: criteria provided, single submitter. Criteria: ACMG Guidelines, 2015. Collection method: clinical testing. Allele origin: germline. Inheritance: Autosomal dominant inheritance. Affected: yes.
Comment: A nonsense variation of c.1114A>T in the BMPR1A gene was identified and co-segregated in the patients of a large family with autosomal dominantly inherited colorectal cancer. In the family, the colorectal cancer is developed from Juvenile Polyposis Syndrome. The variant of BMPR1A is expected to result in the loss of function of BMPR1A, which contributes to Juvenile Polyposis Syndrome. This variant is not present in population databases (ExAC no frequency). This variant has not been reported in the literature in individuals with BMPR1A -related conditions.